The following is an entry in ClinVar:

ClinVar aggregate classification (germline): Pathogenic (1 of 4 stars; one submission).

Submission:

GeneDx
Classification: Pathogenic. Last evaluated: 2024-09-15. Review status: criteria provided, single submitter. Criteria: GeneDx Variant Classification Process June 2021. Collection method: clinical testing. Allele origin: germline.
Comment: Not observed at significant frequency in large population cohorts (gnomAD); In-frame deletion of 1 amino acid in a non-repeat region; In silico analysis supports that this missense variant has a deleterious effect on protein structure/function; This variant is associated with the following publications: (PMID: 36920481)

NC_000012.12:g.21468736AGA[1]

Genes: PYROXD1 (pyridine nucleotide-disulphide oxidoreductase domain 1; plus strand), RECQL (RecQ like helicase; minus strand). Cytogenetic location: 12p12.1.
Variant type: Microsatellite.
Molecular consequence: inframe deletion (on NM_024854.5).
Genome position: GRCh38 VCF-style: chr12-21468735-TAGA-T. GRCh37 (hg19) VCF-style: chr12-21621669-TAGA-T.
Other names: c.1272AGA[1], p.Glu425del (NM_001350912.2); c.708AGA[1], p.Glu237del (NM_001350913.2); c.1485AGA[1], p.Glu496del (NM_024854.5); short protein forms E237del, E425del, E496del.
Identifiers: ClinVar variation 1707879 (VCV001707879.3), dbSNP rs2540293929, ClinGen allele CA2580615146.